The following is an entry in ClinVar:

ClinVar aggregate classification (germline): Likely benign (1 of 4 stars; one submission).

gnomAD v4.1: 18 of 1,469,806 alleles (0.0012%); highest among the groups gnomAD compares: South Asian, 0.0098%; no homozygotes.

Submissions (2):

CeGaT Center for Human Genetics Tuebingen
Classification: Likely benign. Last evaluated: 2026-09-01. Review status: criteria provided, single submitter. Criteria: CeGaT Center For Human Genetics Tuebingen Variant Classification Criteria Version 2. Collection method: clinical testing. Allele origin: germline. Affected: yes. Observed: 1 variant allele.
Comment: RNPC3: BP4, BP7

Dr. Peter K. Rogan Lab, Western University
No classification provided (evidence only). Condition: Thymoma. Review status: no classification provided. Collection method: in vitro. Allele origin: not applicable. Functional consequence: retained intron. Not counted in ClinVar's aggregate classification.

NM_017619.4(RNPC3):c.1245G>A (p.Pro415=)

Gene: RNPC3 (RNA binding region (RNP1, RRM) containing 3; plus strand). Cytogenetic location: 1p21.1.
Variant type: single nucleotide variant.
Coding change: c.1245G>A on transcript NM_017619.4 (MANE Select); coding-DNA position 1245, G replaced by A.
Protein change: p.Pro415=; no amino-acid change (proline 415 retained).
Molecular consequence: synonymous variant.
Genome position (GRCh38, 1-based): chr1:103,546,285, G>A. VCF-style: chr1-103546285-G-A. GRCh37 (hg19) VCF-style: chr1-104088907-G-A.
Other names: NC_000001.10:g.104088907G>A.
Identifiers: ClinVar variation 4513878 (VCV004513878.2).
Genomic context (GRCh38, chr1:103,546,285, plus strand): 5'-TTTGTTTTTTGTTTTTTAATAAGAAATGGAAACACTTTCAGTTTTCAGAAGTTATGAACC[G>A]GGTGAACCAAACTGTAGAATTTATGTAAAGAATTTAGCTAAACATGTTCAAGAAAAGGTA-3'
Protein context (NP_060089.1, residues 405-425): ETLSVFRSYE[Pro415=]GEPNCRIYVK